The following is an entry in ClinVar:

NM_002474.3(MYH11):c.2126G>A (p.Arg709His)

Gene: MYH11 (myosin heavy chain 11; minus strand). Cytogenetic location: 16p13.11.
Variant type: single nucleotide variant.
Coding change: c.2126G>A on transcript NM_002474.3 (MANE Select); coding-DNA position 2126, G replaced by A.
Protein change: p.Arg709His; replaces arginine 709 with histidine.
Molecular consequence: missense variant.
Genome position (GRCh38, 1-based): chr16:15,748,101, C>T on the plus strand (G>A on the coding strand, the complement: MYH11 is on the minus strand). VCF-style: chr16-15748101-C-T. GRCh37 (hg19) VCF-style: chr16-15841958-C-T.
Other names: c.2147G>A, p.Arg716His (NM_001040113.2, NM_001040114.2); c.2126G>A, p.Arg709His (NM_022844.3); short protein forms R709H, R716H.
Identifiers: ClinVar variation 3073904 (VCV003073904.1), dbSNP rs1192001129, ClinGen allele CA394868104.
Genomic context (GRCh38, chr16:15,748,101, plus strand): 5'-ACTTACCGTTGGCGGAACTCCTGGAAGACGATCCGGTTGGGGAAGCCCTGCCGGCAGATG[C>T]GAATGCCTTCCAGCACCCCATTGCACCGCAGCTGCTCCAGCACCAGGAACGCATCCAGCT-3'
Protein context (NP_002465.1, residues 699-719): LRCNGVLEGI[Arg709His]ICRQGFPNRI

ClinVar aggregate classification (germline): Uncertain significance (1 of 4 stars; one submission).

Conditions:
Familial thoracic aortic aneurysm and aortic dissection (TAAD). Also called: Thoracic aortic aneurysms and dissections. Identifiers: Orphanet 91387, MedGen C4707243, MONDO:0019625.

Allele frequency attached by ClinVar (database versions not stated): gnomAD exomes below 0.00001; TOPMed below 0.00001.
gnomAD v4.1: 1 of 1,614,102 alleles (0.000062%); highest among the groups gnomAD compares: Non-Finnish European, 0.000085%; no homozygotes.

Submission:

All of Us Research Program, National Institutes of Health
Classification: Uncertain significance for Familial thoracic aortic aneurysm and aortic dissection. Last evaluated: 2023-11-30. Review status: criteria provided, single submitter. Criteria: ACMG Guidelines, 2015. Collection method: clinical testing. Allele origin: germline. Inheritance: Autosomal dominant inheritance. Observed: 1 variant allele, 1 heterozygote.
Comment: This study involves interpretation of variants in research participants for the purpose of population health screening. Participant phenotype was not available at the time of variant classification. Additional details can be found in publication PMID: 35346344, PMCID: PMC8962531